The following is an entry in ClinVar:

ClinVar aggregate classification (germline): Benign/Likely benign. Review status: criteria provided, multiple submitters, no conflicts (2 of 4 stars). 10 submissions from 7 submitters: Benign (3); Likely benign (7). Last evaluated 2026-02-03.

Conditions:
Hereditary cancer-predisposing syndrome. Also called: Neoplastic Syndromes, Hereditary; Tumor predisposition; Hereditary Cancer Syndrome; Hereditary neoplastic syndrome. Identifiers: Orphanet 140162, MedGen C0027672, MeSH D009386, MONDO:0015356.
Neonatal severe primary hyperparathyroidism. Identifiers: Orphanet 417, MedGen C1832615, MONDO:0009397, OMIM 239200.
Nephrolithiasis/nephrocalcinosis. Identifiers: MedGen CN580796.
Familial hypocalciuric hypercalcemia 1. Also called: Hypercalcemia, familial benign type 1. Identifiers: Orphanet 405, Orphanet 93372, MedGen C0342637, MONDO:0007791, OMIM 145980.
Autosomal dominant hypocalcemia 1 (HYPOC1). Also called: HYPOCALCEMIA, FAMILIAL. Identifiers: MedGen C3715128, MONDO:0011013, OMIM 601198.
Epilepsy, idiopathic generalized, susceptibility to, 8. Identifiers: MedGen C2752062, MONDO:0013032, OMIM 612899.
Familial hypocalciuric hypercalcemia (FHH). Also called: Familial benign hypercalcemia. Identifiers: Orphanet 405, MedGen C1809471, MONDO:0018458.
Familial hypoparathyroidism. Also called: Familial isolated hypoparathyroidism. Identifiers: Orphanet 2238, MedGen C1832648, MONDO:0016390.

Allele frequency attached by ClinVar (database versions not stated): gnomAD exomes 0.00027 and 0.00094; gnomAD 0.00034 and 0.00040; TOPMed 0.00054; ExAC 0.00083; 1000 Genomes Project 30x 0.00172; 1000 Genomes Project 0.00180.
gnomAD v4.1: 513 of 1,614,024 alleles (0.032%); highest among the groups gnomAD compares: East Asian, 0.94%; 2 homozygotes.

Submissions (10):

Labcorp Genetics (formerly Invitae), Labcorp
Classification: Benign for Familial hypocalciuric hypercalcemia; Autosomal dominant hypocalcemia 1. Last evaluated: 2026-02-03. Review status: criteria provided, single submitter. Criteria: Invitae Variant Classification Sherloc (09022015). Collection method: clinical testing. Allele origin: germline.

Blueprint Genetics
Classification: Likely benign. Last evaluated: 2024-11-04. Review status: criteria provided, single submitter. Criteria: ACMG Guidelines, 2015. Collection method: clinical testing. Allele origin: germline.

Fulgent Genetics
Classification: Likely benign for Familial hypocalciuric hypercalcemia 1; Neonatal severe primary hyperparathyroidism; Autosomal dominant hypocalcemia 1; Epilepsy, idiopathic generalized, susceptibility to, 8. Last evaluated: 2022-03-29. Review status: criteria provided, single submitter. Criteria: ACMG Guidelines, 2015. Collection method: clinical testing. Allele origin: unknown.

Sema4
Classification: Benign for Hereditary cancer-predisposing syndrome. Last evaluated: 2021-04-14. Review status: criteria provided, single submitter. Criteria: Sema4 Curation Guidelines. Collection method: curation. Allele origin: germline.

Ambry Genetics
Classification: Benign for Nephrolithiasis/nephrocalcinosis. Last evaluated: 2018-10-18. Review status: criteria provided, single submitter. Criteria: Ambry Variant Classification Scheme 2023. Collection method: clinical testing. Allele origin: germline.

GeneDx
Classification: Likely benign. Last evaluated: 2017-12-22. Review status: criteria provided, single submitter. Criteria: GeneDx Variant Classification (06012015). Collection method: clinical testing. Allele origin: germline. Affected: yes.
Comment: This variant is considered likely benign or benign based on one or more of the following criteria: it is a conservative change, it occurs at a poorly conserved position in the protein, it is predicted to be benign by multiple in silico algorithms, and/or has population frequency not consistent with disease.

Illumina Laboratory Services, Illumina
Classification: Likely benign for Familial isolated hypoparathyroidism. Last evaluated: 2017-04-27. Review status: criteria provided, single submitter. Criteria: ICSL Variant Classification Criteria 13 December 2019. Collection method: clinical testing. Allele origin: germline.
Comment: This variant was observed as part of a predisposition screen in an ostensibly healthy population. A literature search was performed for the gene, cDNA change, and amino acid change (where applicable). Publications were found based on this search. The evidence from the literature, in combination with allele frequency data from public databases where available, was sufficient to determine this variant is unlikely to cause disease. Therefore, this variant is classified as likely benign.

Illumina Laboratory Services, Illumina
Classification: Likely benign for Autosomal dominant hypocalcemia 1. Last evaluated: 2017-04-27. Review status: criteria provided, single submitter. Criteria: ICSL Variant Classification Criteria 13 December 2019. Collection method: clinical testing. Allele origin: germline.
Comment: This variant was observed as part of a predisposition screen in an ostensibly healthy population. A literature search was performed for the gene, cDNA change, and amino acid change (where applicable). No publications were found based on this search. Allele frequency data from public databases allowed determination this variant is unlikely to cause disease. Therefore, this variant is classified as likely benign.

Illumina Laboratory Services, Illumina
Classification: Likely benign for Familial hypocalciuric hypercalcemia 1. Last evaluated: 2017-04-27. Review status: criteria provided, single submitter. Criteria: ICSL Variant Classification Criteria 13 December 2019. Collection method: clinical testing. Allele origin: germline.
Comment: the same text as in the submission from Illumina Laboratory Services, Illumina above.

Illumina Laboratory Services, Illumina
Classification: Likely benign for Neonatal severe primary hyperparathyroidism. Last evaluated: 2017-04-27. Review status: criteria provided, single submitter. Criteria: ICSL Variant Classification Criteria 13 December 2019. Collection method: clinical testing. Allele origin: germline.
Comment: the same text as in the submission from Illumina Laboratory Services, Illumina above.

Literature cited by the submitters: PubMed 24133354 (cited by Illumina Laboratory Services, Illumina).

NM_000388.4(CASR):c.2824G>A (p.Glu942Lys)

Gene: CASR (calcium sensing receptor; plus strand). Cytogenetic location: 3q21.1.
Variant type: single nucleotide variant.
Coding change: c.2824G>A on transcript NM_000388.4 (MANE Select); coding-DNA position 2824, G replaced by A.
Protein change: p.Glu942Lys; replaces glutamic acid 942 with lysine.
Molecular consequence: missense variant.
Genome position (GRCh38, 1-based): chr3:122,284,778, G>A. VCF-style: chr3-122284778-G-A. GRCh37 (hg19) VCF-style: chr3-122003625-G-A.
Other names: c.2854G>A, p.Glu952Lys (NM_001178065.2); short protein forms E942K, E952K.
Identifiers: ClinVar variation 342801 (VCV000342801.23), dbSNP rs76327999, ClinGen allele CA2569870.